The following is an entry in ClinVar:

NM_001711.6(BGN):c.795C>G (p.Ile265Met)

Gene: BGN (biglycan; plus strand). Cytogenetic location: Xq28.
Variant type: single nucleotide variant.
Coding change: c.795C>G on transcript NM_001711.6 (MANE Select); coding-DNA position 795, C replaced by G.
Protein change: p.Ile265Met; replaces isoleucine 265 with methionine.
Molecular consequence: missense variant.
Genome position (GRCh38, 1-based): chrX:153,507,071, C>G. VCF-style: chrX-153507071-C-G. GRCh37 (hg19) VCF-style: chrX-152772529-C-G.
Other names: short protein forms I265M.
Identifiers: ClinVar variation 3000616 (VCV003000616.3), dbSNP rs1280347624, ClinGen allele CA415071354.

ClinVar aggregate classification (germline): Uncertain significance (1 of 4 stars; one submission).

Allele frequency attached by ClinVar (database versions not stated): TOPMed 0.00001; gnomAD 0.00004.
gnomAD v4.1: 4 of 1,208,908 alleles (0.00033%); highest among the groups gnomAD compares: African/African-American, 0.007%; no homozygotes.

Submission:

Labcorp Genetics (formerly Invitae), Labcorp
Classification: Uncertain significance. Last evaluated: 2023-07-16. Review status: criteria provided, single submitter. Criteria: Invitae Variant Classification Sherloc (09022015). Collection method: clinical testing. Allele origin: germline.
Comment: In summary, the available evidence is currently insufficient to determine the role of this variant in disease. Therefore, it has been classified as a Variant of Uncertain Significance. Advanced modeling of protein sequence and biophysical properties (such as structural, functional, and spatial information, amino acid conservation, physicochemical variation, residue mobility, and thermodynamic stability) has been performed at Invitae for this missense variant, however the output from this modeling did not meet the statistical confidence thresholds required to predict the impact of this variant on BGN protein function. This variant has not been reported in the literature in individuals affected with BGN-related conditions. This variant is present in population databases (no rsID available, gnomAD 0.05%). This sequence change replaces isoleucine, which is neutral and non-polar, with methionine, which is neutral and non-polar, at codon 265 of the BGN protein (p.Ile265Met).